The following is an entry in ClinVar:

ClinVar aggregate classification (germline): Likely pathogenic (1 of 4 stars; one submission).

Conditions:
Intellectual developmental disorder, X-linked 90. Also called: DLG3-Related X-Linked Nonsyndromic Mental Retardation; Intellectual disability, X-linked 90. Identifiers: Orphanet 777, MedGen C3275443, MONDO:0010452, OMIM 300850.

Submission:

Equipe Genetique des Anomalies du Developpement, Université de Bourgogne
Classification: Likely pathogenic for Intellectual developmental disorder, X-linked 90. Last evaluated: 2025-01-31. Review status: criteria provided, single submitter. Criteria: ACMG Guidelines, 2015. Collection method: clinical testing. Allele origin: germline. Affected: yes.
Comment: This variant is a duplication predicted to result in a premature stop codon at position 342 and likely results in an absent protein product. It is present in a hemizygous state. Hemizygous pathogenic variants in DLG3 are reported in an autosomal dominant intellectual disability (OMIM #300850). This variant is not present in population database gnomAD (v4.1.0). It has not been reported in ClinVar and in the literature. Based on these evidences, the variant was classified as likely pathogenic.

NM_021120.4(DLG3):c.1015dup (p.Ser339fs)

Gene: DLG3 (discs large MAGUK scaffold protein 3; plus strand). Cytogenetic location: Xq13.1.
Variant type: Duplication.
Coding change: c.1015dup on transcript NM_021120.4 (MANE Select); coding-DNA position 1015, one base duplicated (A; older notation c.1015dupA).
Protein change: p.Ser339fs; shifts the reading frame from serine 339.
Molecular consequence: frameshift variant.
Genome position (GRCh38, 1-based): chrX:70,451,896, A duplicated; the last of 2 consecutive A bases (chrX:70,451,895-70,451,896); duplicating either gives the same sequence. VCF-style (leftmost placement, unchanged base first): chrX-70451894-T-TA. GRCh37 (hg19) VCF-style: chrX-69671744-T-TA.
Other names: short protein forms S339fs.
Identifiers: ClinVar variation 3770153 (VCV003770153.1).